The following is an entry in ClinVar:

NM_020812.4(DOCK6):c.2883C>T (p.Pro961=)

Gene: DOCK6 (dedicator of cytokinesis 6; minus strand). Cytogenetic location: 19p13.2.
Variant type: single nucleotide variant.
Coding change: c.2883C>T on transcript NM_020812.4 (MANE Select); coding-DNA position 2883, C replaced by T.
Protein change: p.Pro961=; no amino-acid change (proline 961 retained).
Molecular consequence: synonymous variant.
Genome position (GRCh38, 1-based): chr19:11,227,409, G>A on the plus strand (C>T on the coding strand, the complement: DOCK6 is on the minus strand). VCF-style: chr19-11227409-G-A. GRCh37 (hg19) VCF-style: chr19-11338085-G-A.
Other names: c.2988C>T, p.Pro996= (NM_001367830.1).
Identifiers: ClinVar variation 732394 (VCV000732394.12), dbSNP rs370648857, ClinGen allele CA9207451.

ClinVar aggregate classification (germline): Benign/Likely benign. Review status: criteria provided, multiple submitters, no conflicts (2 of 4 stars). 3 submissions from 3 submitters: Benign (1); Likely benign (1). 1 of the submissions does not count toward it. Last evaluated 2026-01-05.

Conditions:
DOCK6-related disorder. Also called: DOCK6-related condition.

Allele frequency attached by ClinVar (database versions not stated): gnomAD exomes 0.00021; ExAC 0.00029; TOPMed 0.00053; 1000 Genomes Project 0.00060; 1000 Genomes Project 30x 0.00062; ESP Exome Variant Server 0.00071; gnomAD 0.00073.
gnomAD v4.1: 172 of 1,613,422 alleles (0.011%); highest among the groups gnomAD compares: African/African-American, 0.21%; 1 homozygote.

Submissions (3):

Labcorp Genetics (formerly Invitae), Labcorp
Classification: Benign. Last evaluated: 2026-01-05. Review status: criteria provided, single submitter. Criteria: Invitae Variant Classification Sherloc (09022015). Collection method: clinical testing. Allele origin: germline.

Blueprint Genetics
Classification: Likely benign. Last evaluated: 2024-09-10. Review status: criteria provided, single submitter. Criteria: ACMG Guidelines, 2015. Collection method: clinical testing. Allele origin: germline.

PreventionGenetics, part of Exact Sciences
Classification: Likely benign for DOCK6-related condition. Last evaluated: 2019-10-28. Review status: no assertion criteria provided. Collection method: clinical testing. Allele origin: germline. Not counted in ClinVar's aggregate classification.
Comment: This variant is classified as likely benign based on ACMG/AMP sequence variant interpretation guidelines (Richards et al. 2015 PMID: 25741868, with internal and published modifications).